The following is an entry in ClinVar:

ClinVar aggregate classification (germline): Likely benign (1 of 4 stars; one submission).

Allele frequency attached by ClinVar (database versions not stated): gnomAD 0.00046; TOPMed 0.00057; ExAC 0.00066; ESP Exome Variant Server 0.00073.
gnomAD v4.1: 726 of 1,613,932 alleles (0.045%); highest among the groups gnomAD compares: Admixed American, 0.028%; 10 homozygotes.

Submission:

CeGaT Center for Human Genetics Tuebingen
Classification: Likely benign. Last evaluated: 2023-05-01. Review status: criteria provided, single submitter. Criteria: CeGaT Center For Human Genetics Tuebingen Variant Classification Criteria Version 2. Collection method: clinical testing. Allele origin: germline. Affected: yes. Observed: 1 variant allele.
Comment: DLEC1: BS2

NM_007335.4(DLEC1):c.250C>T (p.Pro84Ser)

Genes: DLEC1 (DLEC1 cilia and flagella associated protein; plus strand), LOC129936479 (ATAC-STARR-seq lymphoblastoid active region 19675; plus strand). Cytogenetic location: 3p22.2.
Variant type: single nucleotide variant.
Coding change: c.250C>T on transcript NM_007335.4 (MANE Select); coding-DNA position 250, C replaced by T.
Protein change: p.Pro84Ser; replaces proline 84 with serine.
Molecular consequence: missense variant.
Genome position (GRCh38, 1-based): chr3:38,039,475, C>T. VCF-style: chr3-38039475-C-T. GRCh37 (hg19) VCF-style: chr3-38080966-C-T.
Other names: c.250C>T, p.Pro84Ser (NM_001321153.2, NM_005106.2, NM_007337.4); short protein forms P84S.
Identifiers: ClinVar variation 2653661 (VCV002653661.24), dbSNP rs201100943, ClinGen allele CA2313648.